The following is an entry in ClinVar:

NM_003785.4(PAGE1):c.293-7_293-4del

Gene: PAGE1 (PAGE family member 1; minus strand). Cytogenetic location: Xp11.23.
Variant type: Deletion.
Coding change: c.293-7_293-4del on transcript NM_003785.4 (MANE Select); 7 bases into the intron before coding-DNA position 293 through 4 bases into the intron before coding-DNA position 293, 4 bases deleted (TTTT; older notation c.293-7_293-4delTTTT).
Molecular consequence: intron variant.
Genome position (GRCh38, 1-based): chrX:49,689,547-49,689,550, AAAA deleted on the plus strand (TTTT on the coding strand, the reverse complement: PAGE1 is on the minus strand); deleting any 4 consecutive bases within chrX:49,689,547-49,689,576 gives the same sequence; the c. name uses the placement nearest the transcript's 3' end. VCF-style (leftmost placement, unchanged base first): chrX-49689546-TAAAA-T. GRCh37 (hg19) VCF-style: chrX-49454149-TAAAA-T.
Identifiers: ClinVar variation 5038803 (VCV005038803.1).

ClinVar aggregate classification (germline): Likely benign (1 of 4 stars; one submission).

Submission:

CeGaT Center for Human Genetics Tuebingen
Classification: Likely benign. Last evaluated: 2026-07-01. Review status: criteria provided, single submitter. Criteria: CeGaT Center For Human Genetics Tuebingen Variant Classification Criteria Version 2. Collection method: clinical testing. Allele origin: germline. Affected: yes. Observed: 1 variant allele.
Comment: PAGE1: BP4